The following is an entry in ClinVar:

ClinVar aggregate classification (germline): Uncertain significance (1 of 4 stars; one submission).

Submission:

GeneDx
Classification: Uncertain significance. Last evaluated: 2023-08-23. Review status: criteria provided, single submitter. Criteria: GeneDx Variant Classification Process June 2021. Collection method: clinical testing. Allele origin: germline. Affected: yes.
Comment: Not observed at significant frequency in large population cohorts (gnomAD); In silico analysis supports that this missense variant has a deleterious effect on protein structure/function; Has not been previously published as pathogenic or benign to our knowledge

NM_001127178.3(PIGG):c.668A>G (p.His223Arg)

Gene: PIGG (phosphatidylinositol glycan anchor biosynthesis class G (EMM blood group); plus strand). Cytogenetic location: 4p16.3.
Variant type: single nucleotide variant.
Coding change: c.668A>G on transcript NM_001127178.3 (MANE Select); coding-DNA position 668, A replaced by G.
Protein change: p.His223Arg; replaces histidine 223 with arginine.
Molecular consequence: missense variant. On other transcripts: 5 prime UTR variant (4), non-coding transcript variant (10), intron variant (1).
Genome position (GRCh38, 1-based): chr4:507,502, A>G. VCF-style: chr4-507502-A-G. GRCh37 (hg19) VCF-style: chr4-501291-A-G.
Other names: c.401A>G, p.His134Arg (NM_001289051.2, NM_001289053.2, NM_001289057.2 and 2 more transcripts); c.302A>G, p.His101Arg (NM_001289055.2); c.-220A>G (NM_001345988.2); c.668A>G, p.His223Arg (NM_001345989.2, NM_017733.5); c.-958A>G (NM_001345990.2); c.-820A>G (NM_001345991.2); c.-545A>G (NM_001345994.2); c.361-1327A>G (NM_001289052.2); short protein forms H101R, H134R, H223R.
Identifiers: ClinVar variation 3343054 (VCV003343054.1).
Genomic context (GRCh38, chr4:507,502, plus strand): 5'-TAAAAAGAGGAGATTGGGACATATTAATCCTCCACTACCTGGGGCTGGACCACATTGGCC[A>G]CATTTCAGGGCCCAACAGCCCCCTGATTGGGCAGAAGCTGAGCGAGATGGACAGCGTGCT-3'
Protein context (NP_001120650.1, residues 213-233): LHYLGLDHIG[His223Arg]ISGPNSPLIG